The following is an entry in ClinVar:

ClinVar aggregate classification (germline): Uncertain significance. Review status: criteria provided, multiple submitters, no conflicts (2 of 4 stars). 2 submissions from 2 submitters: Uncertain significance (2). Last evaluated 2022-09-27.

Allele frequency attached by ClinVar (database versions not stated): gnomAD 0.00001 and 0.00002; gnomAD exomes 0.00002; TOPMed 0.00002; ExAC 0.00003; 1000 Genomes Project 30x 0.00016; 1000 Genomes Project 0.00020.
gnomAD v4.1: 28 of 1,614,102 alleles (0.0017%); highest among the groups gnomAD compares: Non-Finnish European, 0.0022%; no homozygotes.

Submissions (2):

Labcorp Genetics (formerly Invitae), Labcorp
Classification: Uncertain significance. Last evaluated: 2022-09-27. Review status: criteria provided, single submitter. Criteria: Invitae Variant Classification Sherloc (09022015). Collection method: clinical testing. Allele origin: germline.
Comment: This sequence change replaces proline, which is neutral and non-polar, with leucine, which is neutral and non-polar, at codon 344 of the CNGB1 protein (p.Pro344Leu). This variant is present in population databases (rs139849141, gnomAD 0.004%). This variant has not been reported in the literature in individuals affected with CNGB1-related conditions. ClinVar contains an entry for this variant (Variation ID: 1061087). Advanced modeling of protein sequence and biophysical properties (such as structural, functional, and spatial information, amino acid conservation, physicochemical variation, residue mobility, and thermodynamic stability) performed at Invitae indicates that this missense variant is not expected to disrupt CNGB1 protein function. In summary, the available evidence is currently insufficient to determine the role of this variant in disease. Therefore, it has been classified as a Variant of Uncertain Significance.

Blueprint Genetics
Classification: Uncertain significance. Last evaluated: 2018-07-06. Review status: criteria provided, single submitter. Criteria: ACMG Guidelines, 2015. Collection method: clinical testing. Allele origin: germline.

NM_001297.5(CNGB1):c.1031C>T (p.Pro344Leu)

Gene: CNGB1 (cyclic nucleotide gated channel subunit beta 1; minus strand). Cytogenetic location: 16q21.
Variant type: single nucleotide variant.
Coding change: c.1031C>T on transcript NM_001297.5 (MANE Select); coding-DNA position 1031, C replaced by T.
Protein change: p.Pro344Leu; replaces proline 344 with leucine.
Molecular consequence: missense variant.
Genome position (GRCh38, 1-based): chr16:57,950,384, G>A on the plus strand (C>T on the coding strand, the complement: CNGB1 is on the minus strand). VCF-style: chr16-57950384-G-A. GRCh37 (hg19) VCF-style: chr16-57984288-G-A.
Other names: c.1013C>T, p.Pro338Leu (NM_001286130.2); short protein forms P338L, P344L.
Identifiers: ClinVar variation 1061087 (VCV001061087.9), dbSNP rs139849141, ClinGen allele CA8083599.